The following is an entry in ClinVar:

NM_003919.3(SGCE):c.409C>A (p.Arg137Ser)

Genes: CASD1 (CAS1 domain sialic acid O acetyltransferase 1; plus strand), SGCE (sarcoglycan epsilon; minus strand). Cytogenetic location: 7q21.3.
Variant type: single nucleotide variant.
Coding change: c.409C>A on transcript NM_003919.3 (MANE Select); coding-DNA position 409, C replaced by A.
Protein change: p.Arg137Ser; replaces arginine 137 with serine.
Molecular consequence: missense variant.
Genome position (GRCh38, 1-based): chr7:94,623,379, G>T on the plus strand (C>A on the coding strand, the complement: SGCE is on the minus strand). VCF-style: chr7-94623379-G-T. GRCh37 (hg19) VCF-style: chr7-94252691-G-T.
Other names: c.409C>A, p.Arg137Ser (NM_001099400.2, NM_001099401.2, NM_001346717.2); c.286C>A, p.Arg96Ser (NM_001301139.2, NM_001362809.2); c.517C>A, p.Arg173Ser (NM_001346713.2, NM_001346715.2); c.322C>A, p.Arg108Ser (NM_001346719.2, NM_001362807.2); c.136C>A, p.Arg46Ser (NM_001346720.2, NM_001362808.2); short protein forms R96S, R137S, R108S, R173S, R46S.
Identifiers: ClinVar variation 854028 (VCV000854028.7), dbSNP rs557861177, ClinGen allele CA368236863.

ClinVar aggregate classification (germline): Uncertain significance (1 of 4 stars; one submission).

Conditions:
Myoclonic dystonia 11 (DYT11). Also called: Myoclonic dystonia; DYT-SGCE; Dystonia 11; Dystonia, alcohol responsive; Hereditary essential myoclonus; SGCE Myoclonus-Dystonia. Identifiers: Orphanet 36899, MedGen C1834570, MONDO:0008044, OMIM 159900.

gnomAD v4.1: 1 of 1,602,264 alleles (0.000062%); highest among the groups gnomAD compares: Non-Finnish European, 0.000085%; no homozygotes.

Submission:

Labcorp Genetics (formerly Invitae), Labcorp
Classification: Uncertain significance for Myoclonic dystonia 11. Last evaluated: 2022-12-14. Review status: criteria provided, single submitter. Criteria: Invitae Variant Classification Sherloc (09022015). Collection method: clinical testing. Allele origin: germline.
Comment: This variant is not present in population databases (gnomAD no frequency). This sequence change replaces arginine, which is basic and polar, with serine, which is neutral and polar, at codon 137 of the SGCE protein (p.Arg137Ser). This missense change has been observed in individual(s) with clinical features of SGCE-related conditions (Invitae). It has also been observed to segregate with disease in related individuals. In summary, the available evidence is currently insufficient to determine the role of this variant in disease. Therefore, it has been classified as a Variant of Uncertain Significance. Advanced modeling of protein sequence and biophysical properties (such as structural, functional, and spatial information, amino acid conservation, physicochemical variation, residue mobility, and thermodynamic stability) performed at Invitae indicates that this missense variant is not expected to disrupt SGCE protein function. ClinVar contains an entry for this variant (Variation ID: 854028).